The following is an entry in ClinVar:

NM_003998.4(NFKB1):c.723T>C (p.Tyr241=)

Gene: NFKB1 (nuclear factor kappa B subunit 1; plus strand). Cytogenetic location: 4q24.
Variant type: single nucleotide variant.
Coding change: c.723T>C on transcript NM_003998.4 (MANE Select); coding-DNA position 723, T replaced by C.
Protein change: p.Tyr241=; no amino-acid change (tyrosine 241 retained).
Molecular consequence: synonymous variant.
Genome position (GRCh38, 1-based): chr4:102,579,032, T>C. VCF-style: chr4-102579032-T-C. GRCh37 (hg19) VCF-style: chr4-103500189-T-C.
Other names: c.720T>C, p.Tyr240= (NM_001165412.2, NM_001319226.2).
Identifiers: ClinVar variation 748984 (VCV000748984.33), dbSNP rs745756207, ClinGen allele CA3025954.
Genomic context (GRCh38, chr4:102,579,032, plus strand): 5'-TCCGGATAGCACTGGCAGCTTCACAAGGCGCCTGGAACCCGTGGTATCAGACGCCATCTA[T>C]GACAGTAGTGAGTACTTCACTTCCAACAGGGGGCACACCAAGAATAGACTTCCAGCCCTG-3'
Protein context (NP_003989.2, residues 231-251): RLEPVVSDAI[Tyr241=]DSKAPNASNL

ClinVar aggregate classification (germline): Likely benign. Review status: criteria provided, multiple submitters, no conflicts (2 of 4 stars). 5 submissions from 5 submitters: Likely benign (4). 1 of the submissions does not count toward it. Last evaluated 2026-01-22.

Conditions:
NFKB1-related disorder. Also called: NFKB1-related condition.

Allele frequency attached by ClinVar (database versions not stated): ExAC 0.00008; gnomAD 0.00011; gnomAD exomes 0.00012; TOPMed 0.00012.
gnomAD v4.1: 193 of 1,613,728 alleles (0.012%); highest among the groups gnomAD compares: Middle Eastern, 0.22%; 1 homozygote.

Submissions (5):

Labcorp Genetics (formerly Invitae), Labcorp
Classification: Likely benign. Last evaluated: 2026-01-22. Review status: criteria provided, single submitter. Criteria: Invitae Variant Classification Sherloc (09022015). Collection method: clinical testing. Allele origin: germline.

Blueprint Genetics
Classification: Likely benign. Last evaluated: 2024-09-16. Review status: criteria provided, single submitter. Criteria: ACMG Guidelines, 2015. Collection method: clinical testing. Allele origin: germline.

CeGaT Center for Human Genetics Tuebingen
Classification: Likely benign. Last evaluated: 2023-10-01. Review status: criteria provided, single submitter. Criteria: CeGaT Center For Human Genetics Tuebingen Variant Classification Criteria Version 2. Collection method: clinical testing. Allele origin: germline. Affected: yes. Observed: 2 variant alleles.
Comment: NFKB1: BP4, BP7

Breakthrough Genomics
Classification: Likely benign. Review status: criteria provided, single submitter. Criteria: ACMG Guidelines, 2015. Collection method: not provided. Allele origin: germline. Inheritance: Autosomal dominant inheritance. Affected: yes.

PreventionGenetics, part of Exact Sciences
Classification: Likely benign for NFKB1-related condition. Last evaluated: 2019-07-01. Review status: no assertion criteria provided. Collection method: clinical testing. Allele origin: germline. Not counted in ClinVar's aggregate classification.
Comment: This variant is classified as likely benign based on ACMG/AMP sequence variant interpretation guidelines (Richards et al. 2015 PMID: 25741868, with internal and published modifications).